The following is an entry in ClinVar:

NM_004006.3(DMD):c.746A>G (p.Gln249Arg)

Gene: DMD (dystrophin; minus strand). Cytogenetic location: Xp21.1.
Variant type: single nucleotide variant.
Coding change: c.746A>G on transcript NM_004006.3 (MANE Select); coding-DNA position 746, A replaced by G.
Protein change: p.Gln249Arg; replaces glutamine 249 with arginine.
Molecular consequence: missense variant.
Genome position (GRCh38, 1-based): chrX:32,699,197, T>C on the plus strand (A>G on the coding strand, the complement: DMD is on the minus strand). VCF-style: chrX-32699197-T-C. GRCh37 (hg19) VCF-style: chrX-32717314-T-C.
Other names: c.722A>G, p.Gln241Arg (NM_000109.4); c.734A>G, p.Gln245Arg (NM_004009.3); c.377A>G, p.Gln126Arg (NM_004010.3); short protein forms Q126R, Q241R, Q245R, Q249R.
Identifiers: ClinVar variation 662035 (VCV000662035.13), dbSNP rs1212242832, ClinGen allele CA412668975.

ClinVar aggregate classification (germline): Uncertain significance. Review status: criteria provided, multiple submitters, no conflicts (2 of 4 stars). 4 submissions from 4 submitters: Uncertain significance (3). 1 of the submissions does not count toward it. Last evaluated 2025-02-03.

Conditions:
Cardiovascular phenotype. Identifiers: MedGen CN230736.
Duchenne muscular dystrophy (DMD). Also called: MUSCULAR DYSTROPHY, PSEUDOHYPERTROPHIC PROGRESSIVE, DUCHENNE TYPE; Duchenne Muscular Dystrophy (DMD). Identifiers: Orphanet 98896, MedGen C0013264, MONDO:0010679, OMIM 310200.
Dystrophin deficiency.
Becker muscular dystrophy (BMD). Also called: MUSCULAR DYSTROPHY, PSEUDOHYPERTROPHIC PROGRESSIVE, BECKER TYPE; Becker Muscular Dystrophy (BMD). Identifiers: Orphanet 98895, MedGen C0917713, MONDO:0010311, OMIM 300376.
Cardiomyopathy (CMYO). Also called: Cardiomyopathies. Identifiers: Orphanet 167848, MedGen C0878544, MONDO:0004994, HP:0001638. Inheritance: Various modes of inheritance.

Allele frequency attached by ClinVar (database versions not stated): gnomAD exomes below 0.00001 and 0.00002; TOPMed below 0.00001.
gnomAD v4.1: 3 of 1,209,678 alleles (0.00025%); highest among the groups gnomAD compares: Admixed American, 0.0065%; no homozygotes.

Submissions (4):

Revvity Omics, Revvity
Classification: Uncertain significance. Last evaluated: 2025-02-03. Review status: criteria provided, single submitter. Criteria: ACMG Guidelines, 2015. Collection method: clinical testing. Allele origin: germline.

Labcorp Genetics (formerly Invitae), Labcorp
Classification: Uncertain significance for Duchenne muscular dystrophy. Last evaluated: 2024-10-11. Review status: criteria provided, single submitter. Criteria: Invitae Variant Classification Sherloc (09022015). Collection method: clinical testing. Allele origin: germline.
Comment: This sequence change replaces glutamine, which is neutral and polar, with arginine, which is basic and polar, at codon 249 of the DMD protein (p.Gln249Arg). This variant is present in population databases (no rsID available, gnomAD 0.008%). This variant has not been reported in the literature in individuals affected with DMD-related conditions. ClinVar contains an entry for this variant (Variation ID: 662035). Invitae Evidence Modeling of protein sequence and biophysical properties (such as structural, functional, and spatial information, amino acid conservation, physicochemical variation, residue mobility, and thermodynamic stability) indicates that this missense variant is not expected to disrupt DMD protein function with a negative predictive value of 95%. In summary, the available evidence is currently insufficient to determine the role of this variant in disease. Therefore, it has been classified as a Variant of Uncertain Significance.

Ambry Genetics
Classification: Uncertain significance for Cardiovascular phenotype. Last evaluated: 2022-12-23. Review status: criteria provided, single submitter. Criteria: Ambry Variant Classification Scheme 2023. Collection method: clinical testing. Allele origin: germline.
Comment: The p.Q249R variant (also known as c.746A>G), located in coding exon 8 of the DMD gene, results from an A to G substitution at nucleotide position 746. The glutamine at codon 249 is replaced by arginine, an amino acid with highly similar properties. Based on data from gnomAD, the G allele has an overall frequency of 0.0016% (3/182970) total alleles studied. The highest observed frequency was 0.0073% (2/27405) of Latino/Admixed American alleles. This amino acid position is not well conserved in available vertebrate species. In addition, this alteration is predicted to be tolerated by in silico analysis. Since supporting evidence is limited at this time, the clinical significance of this alteration remains unclear.

Natera, Inc.
Classification: Uncertain significance for Becker muscular dystrophy; Cardiomyopathy; Duchenne muscular dystrophy; Dystrophin deficiency. Last evaluated: 2021-01-13. Review status: no assertion criteria provided. Collection method: clinical testing. Allele origin: germline. Not counted in ClinVar's aggregate classification.